The following is an entry in ClinVar:

NM_001742.4(CALCR):c.524G>A (p.Ser175Asn)

Gene: CALCR (calcitonin receptor; minus strand). Cytogenetic location: 7q21.3.
Variant type: single nucleotide variant.
Coding change: c.524G>A on transcript NM_001742.4 (MANE Select); coding-DNA position 524, G replaced by A.
Protein change: p.Ser175Asn; replaces serine 175 with asparagine.
Molecular consequence: missense variant.
Genome position (GRCh38, 1-based): chr7:93,460,945, C>T on the plus strand (G>A on the coding strand, the complement: CALCR is on the minus strand). VCF-style: chr7-93460945-C-T. GRCh37 (hg19) VCF-style: chr7-93090257-C-T.
Other names: c.572G>A, p.Ser191Asn (NM_001164737.3); c.524G>A, p.Ser175Asn (NM_001164738.2); short protein forms S175N, S191N.
Identifiers: ClinVar variation 3033180 (VCV003033180.2), dbSNP rs143764918, ClinGen allele CA4345527.
Genomic context (GRCh38, chr7:93,460,945, plus strand): 5'-GAATTCAGAATGTAAGTAAGAAACATGTTCTTGTGCAGGGTTACCCTTTGGCAGCCAAGG[C>T]TCCTGGAAGAAAAAGTAACATAAAGCATTAACCAGTGCCAAAATGTTGGAGTACCTGGAA-3'
Protein context (NP_001733.1, residues 165-185): ISLGIFVFFR[Ser175Asn]LGCQRVTLHK

ClinVar aggregate classification (germline): Benign (0 of 4 stars; one submission).

Conditions:
CALCR-related disorder. Also called: CALCR-related condition.

Allele frequency attached by ClinVar (database versions not stated): 1000 Genomes Project 0.00020; ESP Exome Variant Server 0.00023; 1000 Genomes Project 30x 0.00031; gnomAD exomes 0.00031; gnomAD 0.00038; ExAC 0.00056.
gnomAD v4.1: 519 of 1,606,914 alleles (0.032%); highest among the groups gnomAD compares: Non-Finnish European, 0.029%; 1 homozygote.

Submission:

PreventionGenetics, part of Exact Sciences
Classification: Benign for CALCR-related condition. Last evaluated: 2019-06-13. Review status: no assertion criteria provided. Collection method: clinical testing. Allele origin: germline.
Comment: This variant is classified as benign based on ACMG/AMP sequence variant interpretation guidelines (Richards et al. 2015 PMID: 25741868, with internal and published modifications).